The following is an entry in ClinVar:

ClinVar aggregate classification (germline): Uncertain significance (1 of 4 stars; one submission).

Submission:

Labcorp Genetics (formerly Invitae), Labcorp
Classification: Uncertain significance. Last evaluated: 2024-02-17. Review status: criteria provided, single submitter. Criteria: Invitae Variant Classification Sherloc (09022015). Collection method: clinical testing. Allele origin: germline.
Comment: This sequence change replaces glycine, which is neutral and non-polar, with cysteine, which is neutral and slightly polar, at codon 286 of the SLC12A6 protein (p.Gly286Cys). This variant is not present in population databases (gnomAD no frequency). This variant has not been reported in the literature in individuals affected with SLC12A6-related conditions. ClinVar contains an entry for this variant (Variation ID: 1519350). Advanced modeling of protein sequence and biophysical properties (such as structural, functional, and spatial information, amino acid conservation, physicochemical variation, residue mobility, and thermodynamic stability) performed at Invitae indicates that this missense variant is expected to disrupt SLC12A6 protein function with a positive predictive value of 80%. In summary, the available evidence is currently insufficient to determine the role of this variant in disease. Therefore, it has been classified as a Variant of Uncertain Significance.

NM_001365088.1(SLC12A6):c.856G>T (p.Gly286Cys)

Gene: SLC12A6 (solute carrier family 12 member 6; minus strand). Cytogenetic location: 15q14.
Variant type: single nucleotide variant.
Coding change: c.856G>T on transcript NM_001365088.1 (MANE Select); coding-DNA position 856, G replaced by T.
Protein change: p.Gly286Cys; replaces glycine 286 with cysteine.
Molecular consequence: missense variant.
Genome position (GRCh38, 1-based): chr15:34,255,282, C>A on the plus strand (G>T on the coding strand, the complement: SLC12A6 is on the minus strand). VCF-style: chr15-34255282-C-A. GRCh37 (hg19) VCF-style: chr15-34547483-C-A.
Other names: c.679G>T, p.Gly227Cys (NM_001042494.2, NM_001042495.2); c.829G>T, p.Gly277Cys (NM_001042496.2); c.811G>T, p.Gly271Cys (NM_001042497.2); c.703G>T, p.Gly235Cys (NM_005135.2); c.856G>T, p.Gly286Cys (NM_133647.2); short protein forms G271C, G277C, G286C, G227C, G235C.
Identifiers: ClinVar variation 1519350 (VCV001519350.6), dbSNP rs2140726876, ClinGen allele CA391610147.